The following is an entry in ClinVar:

NM_006831.3(CLP1):c.862C>T (p.Arg288Cys)

Gene: CLP1 (cleavage factor polyribonucleotide kinase subunit 1; plus strand). Cytogenetic location: 11q12.1.
Variant type: single nucleotide variant.
Coding change: c.862C>T on transcript NM_006831.3 (MANE Select); coding-DNA position 862, C replaced by T.
Protein change: p.Arg288Cys; replaces arginine 288 with cysteine.
Molecular consequence: missense variant.
Genome position (GRCh38, 1-based): chr11:57,661,020, C>T. VCF-style: chr11-57661020-C-T. GRCh37 (hg19) VCF-style: chr11-57428492-C-T.
Other names: c.670C>T, p.Arg224Cys (NM_001142597.2); short protein forms R288C, R224C.
Identifiers: ClinVar variation 420322 (VCV000420322.4), dbSNP rs746040503, ClinGen allele CA6008594.

ClinVar aggregate classification (germline): Uncertain significance. Review status: criteria provided, multiple submitters, no conflicts (2 of 4 stars). 2 submissions from 2 submitters: Uncertain significance (2). Last evaluated 2023-05-19.

Allele frequency attached by ClinVar (database versions not stated): gnomAD 0.00001; gnomAD exomes 0.00001 and 0.00003; TOPMed 0.00001; ExAC 0.00004.
gnomAD v4.1: 15 of 1,614,108 alleles (0.00093%); highest among the groups gnomAD compares: East Asian, 0.0022%; no homozygotes.

Submissions (2):

Labcorp Genetics (formerly Invitae), Labcorp
Classification: Uncertain significance. Last evaluated: 2023-05-19. Review status: criteria provided, single submitter. Criteria: Invitae Variant Classification Sherloc (09022015). Collection method: clinical testing. Allele origin: germline.
Comment: ClinVar contains an entry for this variant (Variation ID: 420322). Advanced modeling of protein sequence and biophysical properties (such as structural, functional, and spatial information, amino acid conservation, physicochemical variation, residue mobility, and thermodynamic stability) performed at Invitae indicates that this missense variant is expected to disrupt CLP1 protein function. In summary, the available evidence is currently insufficient to determine the role of this variant in disease. Therefore, it has been classified as a Variant of Uncertain Significance. This variant has not been reported in the literature in individuals affected with CLP1-related conditions. This sequence change replaces arginine, which is basic and polar, with cysteine, which is neutral and slightly polar, at codon 288 of the CLP1 protein (p.Arg288Cys). This variant is present in population databases (rs746040503, gnomAD 0.01%).

GeneDx
Classification: Uncertain significance. Last evaluated: 2016-01-14. Review status: criteria provided, single submitter. Criteria: GeneDx Variant Classification (06012015). Collection method: clinical testing. Allele origin: germline. Affected: yes.
Comment: A variant of uncertain significance has been identified in the CLP1 gene. The R288C variant has not been publishedas a pathogenic variant, nor has it been reported as a benign variant to our knowledge. It was not observed inapproximately 6,500 individuals of European and African American ancestry in the NHLBI Exome SequencingProject, indicating it is not a common benign variant in these populations. The R288C variant is a non-conservativeamino acid substitution, which is likely to impact secondary protein structure as these residues differ in polarity,charge, size and/or other properties. This substitution occurs at a position that is conserved in mammals. In silicoanalysis predicts this variant is probably damaging to the protein structure/function. Based on the currently availableinformation, it is unclear whether this variant is a pathogenic variant or a rare benign variant.